The following is an entry in ClinVar:

ClinVar aggregate classification (germline): Uncertain significance (1 of 4 stars; one submission).

Submission:

GeneDx
Classification: Uncertain significance. Last evaluated: 2021-11-22. Review status: criteria provided, single submitter. Criteria: GeneDx Variant Classification Process June 2021. Collection method: clinical testing. Allele origin: germline. Affected: yes.
Comment: Not observed at significant frequency in large population cohorts (gnomAD); In silico analysis supports that this missense variant does not alter protein structure/function; Has not been previously published as pathogenic or benign to our knowledge

NM_004656.4(BAP1):c.310A>C (p.Ser104Arg)

Gene: BAP1 (BRCA1 associated protein 1; minus strand). Cytogenetic location: 3p21.1.
Variant type: single nucleotide variant.
Coding change: c.310A>C on transcript NM_004656.4 (MANE Select); coding-DNA position 310, A replaced by C.
Protein change: p.Ser104Arg; replaces serine 104 with arginine.
Molecular consequence: missense variant.
Genome position (GRCh38, 1-based): chr3:52,408,023, T>G on the plus strand (A>C on the coding strand, the complement: BAP1 is on the minus strand). VCF-style: chr3-52408023-T-G. GRCh37 (hg19) VCF-style: chr3-52442039-T-G.
Other names: short protein forms S104R.
Identifiers: ClinVar variation 1686754 (VCV001686754.2), dbSNP rs2153228112, ClinGen allele CA353112292.